The following is an entry in ClinVar:

NM_004006.3(DMD):c.10440C>G (p.Asn3480Lys)

Gene: DMD (dystrophin; minus strand). Cytogenetic location: Xp21.2.
Variant type: single nucleotide variant.
Coding change: c.10440C>G on transcript NM_004006.3 (MANE Select); coding-DNA position 10440, C replaced by G.
Protein change: p.Asn3480Lys; replaces asparagine 3480 with lysine.
Molecular consequence: missense variant. On other transcripts: intron variant (2).
Genome position (GRCh38, 1-based): chrX:31,169,556, G>C on the plus strand (C>G on the coding strand, the complement: DMD is on the minus strand). VCF-style: chrX-31169556-G-C. GRCh37 (hg19) VCF-style: chrX-31187673-G-C.
Other names: c.10416C>G, p.Asn3472Lys (NM_000109.4); c.10428C>G, p.Asn3476Lys (NM_004009.3); c.10071C>G, p.Asn3357Lys (NM_004010.3); c.6417C>G, p.Asn2139Lys (NM_004011.4); c.6408C>G, p.Asn2136Lys (NM_004012.4); c.3060C>G, p.Asn1020Lys (NM_004013.3, NM_004021.3); c.2253C>G, p.Asn751Lys (NM_004014.3); c.1236C>G, p.Asn412Lys (NM_004015.3, NM_004016.3); and 3 more; short protein forms N1007K, N3472K, N1020K, N2136K, N3476K, N3480K, N399K, N751K.
Identifiers: ClinVar variation 2718828 (VCV002718828.4), dbSNP rs372682676, ClinGen allele CA10377590.

ClinVar aggregate classification (germline): Conflicting classifications of pathogenicity. Review status: criteria provided, conflicting classifications (1 of 4 stars). 2 submissions from 2 submitters: Uncertain significance (1); Likely benign (1). Last evaluated 2023-10-10.

Conditions:
Duchenne muscular dystrophy (DMD). Also called: MUSCULAR DYSTROPHY, PSEUDOHYPERTROPHIC PROGRESSIVE, DUCHENNE TYPE; Duchenne Muscular Dystrophy (DMD). Identifiers: Orphanet 98896, MedGen C0013264, MONDO:0010679, OMIM 310200.
Cardiovascular phenotype. Identifiers: MedGen CN230736.

Allele frequency attached by ClinVar (database versions not stated): TOPMed below 0.00001; gnomAD 0.00001; ExAC 0.00002; gnomAD exomes 0.00002; ESP Exome Variant Server 0.00009.
gnomAD v4.1: 21 of 1,204,680 alleles (0.0017%); highest among the groups gnomAD compares: Non-Finnish European, 0.002%; no homozygotes.

Submissions (2):

Ambry Genetics
Classification: Uncertain significance for Cardiovascular phenotype. Last evaluated: 2023-10-10. Review status: criteria provided, single submitter. Criteria: Ambry Variant Classification Scheme 2023. Collection method: clinical testing. Allele origin: germline.
Comment: The p.N3480K variant (also known as c.10440C>G), located in coding exon 74 of the DMD gene, results from a C to G substitution at nucleotide position 10440. The asparagine at codon 3480 is replaced by lysine, an amino acid with similar properties. Based on data from gnomAD, the G allele has an overall frequency of <0.01% (1/174795) total alleles studied, with 1 hemizygote(s) observed. The highest observed frequency was <0.01% (1/77203) of European (non-Finnish) alleles. This amino acid position is well conserved in available vertebrate species. In addition, this alteration is predicted to be tolerated by in silico analysis. Since supporting evidence is limited at this time, the clinical significance of this alteration remains unclear.

Labcorp Genetics (formerly Invitae), Labcorp
Classification: Likely benign for Duchenne muscular dystrophy. Last evaluated: 2022-12-17. Review status: criteria provided, single submitter. Criteria: Invitae Variant Classification Sherloc (09022015). Collection method: clinical testing. Allele origin: germline.